The following is an entry in ClinVar:

NM_001379500.1(COL18A1):c.2932_2964del (p.Ile978_Gly988del)

Genes: COL18A1 (collagen type XVIII alpha 1 chain; plus strand), SLC19A1 (solute carrier family 19 member 1; minus strand). Cytogenetic location: 21q22.3.
Variant type: Deletion.
Coding change: c.2932_2964del on transcript NM_001379500.1 (MANE Select); coding-DNA positions 2932 to 2964, 33 bases deleted.
Protein change: p.Ile978_Gly988del.
Molecular consequence: inframe deletion.
Genome position (GRCh38, 1-based): chr21:45,505,197-45,505,229, 33 bases deleted; deleting any 33 consecutive bases within chr21:45,505,191-45,505,229 gives the same sequence; the c. name uses the placement nearest the transcript's 3' end. GRCh37 (hg19): chr21:46,925,111-46,925,143.
Other names: c.3463_3495del, p.Ile1155_Gly1165del (NM_030582.4); c.4168_4200del, p.Ile1390_Gly1400del (NM_130444.3).
Identifiers: ClinVar variation 1359537 (VCV001359537.8), dbSNP rs774608225, ClinGen allele CA10067557.

ClinVar aggregate classification (germline): Uncertain significance (1 of 4 stars; one submission).

Submission:

Labcorp Genetics (formerly Invitae), Labcorp
Classification: Uncertain significance. Last evaluated: 2022-08-31. Review status: criteria provided, single submitter. Criteria: Invitae Variant Classification Sherloc (09022015). Collection method: clinical testing. Allele origin: germline.
Comment: In summary, the available evidence is currently insufficient to determine the role of this variant in disease. Therefore, it has been classified as a Variant of Uncertain Significance. Algorithms developed to predict the effect of sequence changes on RNA splicing suggest that this variant may disrupt the consensus splice site. Experimental studies and prediction algorithms are not available or were not evaluated, and the functional significance of this variant is currently unknown. ClinVar contains an entry for this variant (Variation ID: 1359537). This variant has not been reported in the literature in individuals affected with COL18A1-related conditions. This variant is not present in population databases (gnomAD no frequency). This variant, c.2923_2955del, results in the deletion of 11 amino acid(s) of the COL18A1 protein (p.Ile975_Gly985del), but otherwise preserves the integrity of the reading frame.